The following is an entry in ClinVar:

NM_003476.5(CSRP3):c.49del (p.Val17fs)

Gene: CSRP3 (cysteine and glycine rich protein 3; minus strand). Cytogenetic location: 11p15.1.
Variant type: Deletion.
Coding change: c.49del on transcript NM_003476.5 (MANE Select); coding-DNA position 49, one base deleted (G; older notation c.49delG).
Protein change: p.Val17fs; shifts the reading frame from valine 17.
Molecular consequence: frameshift variant.
Genome position (GRCh38, 1-based): chr11:19,192,400, C deleted on the plus strand (G on the coding strand, the reverse complement: CSRP3 is on the minus strand). VCF-style (leftmost placement, unchanged base first): chr11-19192399-AC-A. GRCh37 (hg19) VCF-style: chr11-19213946-AC-A.
Other names: c.49del, p.Val17fs (NM_001369404.1); short protein forms V17fs.
Identifiers: ClinVar variation 222535 (VCV000222535.7), dbSNP rs869025378, ClinGen allele CA351998.
Genomic context (GRCh38, chr11:19,192,399, plus strand): 5'-CAGTGGAAACACGTCTTGTGGAAACTCCTTCCATTGCACTGGATTTCTTCTGCATGGTAG[AC>A]GGTCTTTTCACAGGCTCCACATTTTGCGCCTCCGCCCCAGTTTGGCATCTTGAAGACTAT-3'

ClinVar aggregate classification (germline): Pathogenic (1 of 4 stars; one submission).

Conditions:
Hypertrophic cardiomyopathy 12. Identifiers: MedGen C2677491, MONDO:0012804, OMIM 612124.
Dilated cardiomyopathy 1M (CMD1M). Identifiers: Orphanet 154, MedGen C1843808, MONDO:0011840, OMIM 607482.

Submission:

Labcorp Genetics (formerly Invitae), Labcorp
Classification: Pathogenic for Hypertrophic cardiomyopathy 12; Dilated cardiomyopathy 1M. Last evaluated: 2024-04-17. Review status: criteria provided, single submitter. Criteria: Invitae Variant Classification Sherloc (09022015). Collection method: clinical testing. Allele origin: germline.
Comment: This sequence change results in a frameshift in the CSRP3 gene (p.Val17Serfs*191). While this is not anticipated to result in nonsense mediated decay, it is expected to disrupt the last 178 amino acid(s) of the CSRP3 protein and extend the protein by 12 additional amino acid residues. This variant is not present in population databases (gnomAD no frequency). This variant has not been reported in the literature in individuals affected with CSRP3-related conditions. ClinVar contains an entry for this variant (Variation ID: 222535). This variant disrupts a region of the CSRP3 protein in which other variant(s) (p.Cys150Tyr) have been determined to be pathogenic (PMID: 23396983, 25351510, 33035702). This suggests that this is a clinically significant region of the protein, and that variants that disrupt it are likely to be disease-causing. For these reasons, this variant has been classified as Pathogenic.

Literature cited by the submitters: PubMed 23396983; PubMed 25351510; PubMed 33035702.